The following is an entry in ClinVar:

NM_014324.6(AMACR):c.*1366A>G

Genes: C1QTNF3-AMACR (C1QTNF3-AMACR readthrough (NMD candidate); minus strand), AMACR (alpha-methylacyl-CoA racemase; minus strand). Cytogenetic location: 5p13.2.
Variant type: single nucleotide variant.
Coding change: c.*1366A>G on transcript NM_014324.6 (MANE Select); 1366 bases downstream of the stop codon, A replaced by G.
Molecular consequence: 3 prime UTR variant. On other transcripts: non-coding transcript variant (1).
Genome position (GRCh38, 1-based): chr5:33,987,727, T>C on the plus strand (A>G on the coding strand, the complement: AMACR is on the minus strand). VCF-style: chr5-33987727-T-C. GRCh37 (hg19) VCF-style: chr5-33987832-T-C.
Other names: c.*581A>G (NM_001167595.2); c.*1757A>G (NM_203382.3).
Identifiers: ClinVar variation 905996 (VCV000905996.4), dbSNP rs530507195, ClinGen allele CA116906862.

ClinVar aggregate classification (germline): Likely benign (1 of 4 stars; one submission).

Conditions:
Alpha-methylacyl-CoA racemase deficiency (AMACRD). Also called: AMACR deficiency. Identifiers: Orphanet 79095, MedGen C3280428, MONDO:0013681, OMIM 614307. Disease mechanism: loss of function.

Allele frequency attached by ClinVar (database versions not stated): gnomAD 0.00032 and 0.00048; TOPMed 0.00038; 1000 Genomes Project 0.00060; 1000 Genomes Project 30x 0.00062.

Submission:

Illumina Laboratory Services, Illumina
Classification: Likely benign for Alpha-methylacyl-CoA racemase deficiency. Last evaluated: 2018-01-13. Review status: criteria provided, single submitter. Criteria: ICSL Variant Classification Criteria 13 December 2019. Collection method: clinical testing. Allele origin: germline.
Comment: This variant was observed in the ICSL laboratory as part of a predisposition screen in an ostensibly healthy population. It had not been previously curated by ICSL or reported in the Human Gene Mutation Database (HGMD: prior to June 1st, 2018), and was therefore a candidate for classification through an automated scoring system. Utilizing variant allele frequency, disease prevalence and penetrance estimates, and inheritance mode, an automated score was calculated to assess if this variant is too frequent to cause the disease. Based on the score and internal cut-off values, a variant classified as likely benign is not then subjected to further curation. The score for this variant resulted in a classification of likely benign for this disease.